The following is an entry in ClinVar:

NM_213655.5(WNK1):c.2701A>T (p.Ile901Leu)

Gene: WNK1 (WNK lysine deficient protein kinase 1; plus strand). Cytogenetic location: 12p13.33.
Variant type: single nucleotide variant.
Coding change: c.2701A>T on transcript NM_213655.5 (MANE Plus Clinical); coding-DNA position 2701, A replaced by T.
Protein change: p.Ile901Leu; replaces isoleucine 901 with leucine.
Molecular consequence: missense variant. On other transcripts: intron variant (2).
Genome position (GRCh38, 1-based): chr12:868,172, A>T. VCF-style: chr12-868172-A-T. GRCh37 (hg19) VCF-style: chr12-977338-A-T.
Other names: c.2446A>T, p.Ile816Leu (NM_001184985.2); c.2140-3093A>T (NM_018979.4, NM_014823.3); c.2446A>T (NM_001184985.1); short protein forms I816L, I901L.
Identifiers: ClinVar variation 1133415 (VCV001133415.13), dbSNP rs142624740, ClinGen allele CA6382224.

ClinVar aggregate classification (germline): Likely benign. Review status: criteria provided, multiple submitters, no conflicts (2 of 4 stars). 4 submissions from 4 submitters: Likely benign (4). Last evaluated 2026-01-27.

Conditions:
Inborn genetic diseases. Identifiers: MedGen C0950123, MeSH D030342.
WNK1-related disorder. Also called: WNK1-related condition.
Neuropathy, hereditary sensory and autonomic, type 2A (HSAN2A). Also called: ACROOSTEOLYSIS, GIACCAI TYPE; ACROOSTEOLYSIS, NEUROGENIC; MORVAN DISEASE; NEUROPATHY, CONGENITAL SENSORY; NEUROPATHY, HEREDITARY SENSORY RADICULAR, AUTOSOMAL RECESSIVE; NEUROPATHY, HEREDITARY SENSORY, TYPE IIA. Identifiers: Orphanet 970, MedGen C2752089, MONDO:0024309, OMIM 201300.
Pseudohypoaldosteronism type 2C (PHA2C). Also called: Pseudohypoaldosteronism Type IIC. Identifiers: Orphanet 757, Orphanet 88940, MedGen C1840391, MONDO:0013778, OMIM 614492.

Allele frequency attached by ClinVar (database versions not stated): TOPMed 0.00012; 1000 Genomes Project 30x 0.00062; 1000 Genomes Project 0.00080.
gnomAD v4.1: 110 of 1,614,016 alleles (0.0068%); highest among the groups gnomAD compares: East Asian, 0.22%; no homozygotes.

Submissions (4):

Labcorp Genetics (formerly Invitae), Labcorp
Classification: Likely benign for Neuropathy, hereditary sensory and autonomic, type 2A; Pseudohypoaldosteronism type 2C. Last evaluated: 2026-01-27. Review status: criteria provided, single submitter. Criteria: Invitae Variant Classification Sherloc (09022015). Collection method: clinical testing. Allele origin: germline.

PreventionGenetics, part of Exact Sciences
Classification: Likely benign for WNK1-related condition. Last evaluated: 2025-10-14. Review status: criteria provided, single submitter. Criteria: ACMG Guidelines, 2015. Collection method: clinical testing. Allele origin: germline.
Comment: This variant is classified as likely benign based on ACMG/AMP sequence variant interpretation guidelines (Richards et al. 2015 PMID: 25741868, with internal and published modifications).

Ambry Genetics
Classification: Likely benign for Inborn genetic diseases. Last evaluated: 2021-11-18. Review status: criteria provided, single submitter. Criteria: Ambry Variant Classification Scheme 2023. Collection method: clinical testing. Allele origin: germline.

Fulgent Genetics
Classification: Likely benign for Neuropathy, hereditary sensory and autonomic, type 2A; Pseudohypoaldosteronism type 2C. Last evaluated: 2021-09-20. Review status: criteria provided, single submitter. Criteria: ACMG Guidelines, 2015. Collection method: clinical testing. Allele origin: unknown.